The following is an entry in ClinVar:

NM_003716.4(CADPS):c.3780A>G (p.Gln1260=)

Gene: CADPS (calcium dependent secretion activator; minus strand). Cytogenetic location: 3p14.2.
Variant type: single nucleotide variant.
Coding change: c.3780A>G on transcript NM_003716.4 (MANE Select); coding-DNA position 3780, A replaced by G.
Protein change: p.Gln1260=; no amino-acid change (glutamine 1260 retained).
Molecular consequence: synonymous variant.
Genome position (GRCh38, 1-based): chr3:62,403,183, T>C on the plus strand (A>G on the coding strand, the complement: CADPS is on the minus strand). VCF-style: chr3-62403183-T-C. GRCh37 (hg19) VCF-style: chr3-62388858-T-C.
Other names: c.3543A>G, p.Gln1181= (NM_183393.3); c.3663A>G, p.Gln1221= (NM_183394.3).
Identifiers: ClinVar variation 2637366 (VCV002637366.1), dbSNP rs1707040888, ClinGen allele CA433911979.

ClinVar aggregate classification (germline): Uncertain significance (1 of 4 stars; one submission).

Conditions:
CADPS-related disorder. Also called: CADPS-related condition.

Allele frequency attached by ClinVar (database versions not stated): gnomAD 0.00001; gnomAD exomes 0.00001.
gnomAD v4.1: 10 of 1,611,486 alleles (0.00062%); highest among the groups gnomAD compares: African/African-American, 0.0013%; no homozygotes.

Submission:

PreventionGenetics, part of Exact Sciences
Classification: Uncertain significance for CADPS-related condition. Last evaluated: 2023-03-21. Review status: criteria provided, single submitter. Criteria: ACMG Guidelines, 2015. Collection method: clinical testing. Allele origin: germline.
Comment: The CADPS c.3780A>G variant is not predicted to result in an amino acid change (p.=). Based on available splicing prediction programs (Alamut Visual Plus v1.6.1) this variant is predicted to create a cryptic splice acceptor site nearby the canonical splice acceptor site on exon 29 (NM_003716.3); however, to date this prediction has not been proven by functional studies. To our knowledge, this variant has not been reported in the literature or in a large population database, indicating this variant is rare. At this time, the clinical significance of this variant is uncertain due to the absence of conclusive functional and genetic evidence.